The following is an entry in ClinVar:

ClinVar aggregate classification (germline): Uncertain significance (1 of 4 stars; one submission).

Submission:

Labcorp Genetics (formerly Invitae), Labcorp
Classification: Uncertain significance. Last evaluated: 2024-08-15. Review status: criteria provided, single submitter. Criteria: Invitae Variant Classification Sherloc (09022015). Collection method: clinical testing. Allele origin: germline.
Comment: This sequence change replaces valine, which is neutral and non-polar, with isoleucine, which is neutral and non-polar, at codon 297 of the RP2 protein (p.Val297Ile). This variant is not present in population databases (gnomAD no frequency). This variant has not been reported in the literature in individuals affected with RP2-related conditions. Invitae Evidence Modeling of protein sequence and biophysical properties (such as structural, functional, and spatial information, amino acid conservation, physicochemical variation, residue mobility, and thermodynamic stability) has been performed for this missense variant. However, the output from this modeling did not meet the statistical confidence thresholds required to predict the impact of this variant on RP2 protein function. In summary, the available evidence is currently insufficient to determine the role of this variant in disease. Therefore, it has been classified as a Variant of Uncertain Significance.

NM_006915.3(RP2):c.889G>A (p.Val297Ile)

Gene: RP2 (RP2 activator of ARL3 GTPase; plus strand). Cytogenetic location: Xp11.3.
Variant type: single nucleotide variant.
Coding change: c.889G>A on transcript NM_006915.3 (MANE Select); coding-DNA position 889, G replaced by A.
Protein change: p.Val297Ile; replaces valine 297 with isoleucine.
Molecular consequence: missense variant.
Genome position (GRCh38, 1-based): chrX:46,877,510, G>A. VCF-style: chrX-46877510-G-A. GRCh37 (hg19) VCF-style: chrX-46736945-G-A.
Other names: short protein forms V297I.
Identifiers: ClinVar variation 3689666 (VCV003689666.2).